The following is an entry in ClinVar:

ClinVar aggregate classification (germline): Uncertain significance (1 of 4 stars; one submission).

Submission:

Labcorp Genetics (formerly Invitae), Labcorp
Classification: Uncertain significance. Last evaluated: 2025-01-23. Review status: criteria provided, single submitter. Criteria: Invitae Variant Classification Sherloc (09022015). Collection method: clinical testing. Allele origin: germline.
Comment: This sequence change creates a premature translational stop signal (p.Gly1549Trpfs*2) in the FBN3 gene. It is expected to result in an absent or disrupted protein product. However, the current clinical and genetic evidence is not sufficient to establish whether loss-of-function variants in FBN3 cause disease. This variant is not present in population databases (gnomAD no frequency). This variant has not been reported in the literature in individuals affected with FBN3-related conditions. In summary, the available evidence is currently insufficient to determine the role of this variant in disease. Therefore, it has been classified as a Variant of Uncertain Significance.

NM_032447.5(FBN3):c.4643dup (p.Gly1549fs)

Gene: FBN3 (fibrillin 3; minus strand). Cytogenetic location: 19p13.2.
Variant type: Duplication.
Coding change: c.4643dup on transcript NM_032447.5 (MANE Select); coding-DNA position 4643, one base duplicated (G; older notation c.4643dupG).
Protein change: p.Gly1549fs; shifts the reading frame from glycine 1549.
Molecular consequence: frameshift variant.
Genome position (GRCh38, 1-based): chr19:8,108,214, C duplicated on the plus strand (G on the coding strand, the reverse complement: FBN3 is on the minus strand); the first of 3 consecutive C bases (chr19:8,108,214-8,108,216); duplicating any one gives the same sequence. VCF-style (leftmost placement, unchanged base first): chr19-8108213-A-AC. GRCh37 (hg19) VCF-style: chr19-8173097-A-AC.
Other names: c.4643dup, p.Gly1549fs (NM_001321431.2); short protein forms G1549fs.
Identifiers: ClinVar variation 3669599 (VCV003669599.2).